The following is an entry in ClinVar:

NM_000027.4(AGA):c.792G>A (p.Met264Ile)

Gene: AGA (aspartylglucosaminidase; minus strand). Cytogenetic location: 4q34.3.
Variant type: single nucleotide variant.
Coding change: c.792G>A on transcript NM_000027.4 (MANE Select); coding-DNA position 792, G replaced by A.
Protein change: p.Met264Ile; replaces methionine 264 with isoleucine.
Molecular consequence: missense variant. On other transcripts: non-coding transcript variant (1).
Genome position (GRCh38, 1-based): chr4:177,434,396, C>T on the plus strand (G>A on the coding strand, the complement: AGA is on the minus strand). VCF-style: chr4-177434396-C-T. GRCh37 (hg19) VCF-style: chr4-178355550-C-T.
Other names: c.762G>A, p.Met254Ile (NM_001171988.2); short protein forms M254I, M264I.
Identifiers: ClinVar variation 991946 (VCV000991946.7), dbSNP rs369967348, ClinGen allele CA3146806.
Genomic context (GRCh38, chr4:177,434,396, plus strand): 5'-TATCTTCTCCAAAGGTCTCTAAAATTCACAAACTAAGAAGTCATACCTTGGCAGGAAGCG[C>T]ATCAATATATCACCATTCCCAGTGGCTGCGGCTGCCCCTGCAGTATCGTCAGCATAGGCT-3'
Protein context (NP_000018.2, residues 254-274): AAATGNGDIL[Met264Ile]RFLPSYQAVE

ClinVar aggregate classification (germline): Uncertain significance. Review status: criteria provided, multiple submitters, no conflicts (2 of 4 stars). 4 submissions from 4 submitters: Uncertain significance (3). 1 of the submissions does not count toward it. Last evaluated 2025-09-26.

Conditions:
Aspartylglucosaminuria (AGU). Also called: Aspartylglucos-aminuria; Aspartylglucos-amidase (AGA) deficiency; AGA DEFICIENCY; GLYCOASPARAGINASE; GLYCOSYLASPARAGINASE DEFICIENCY. Identifiers: Orphanet 93, MedGen C0268225, MONDO:0008830, OMIM 208400, HP:0012068.

Allele frequency attached by ClinVar (database versions not stated): gnomAD exomes 0.00004 and 0.00012; ExAC 0.00013; gnomAD 0.00032 and 0.00034; ESP Exome Variant Server 0.00038; TOPMed 0.00039; 1000 Genomes Project 0.00040; 1000 Genomes Project 30x 0.00062.
gnomAD v4.1: 111 of 1,614,076 alleles (0.0069%); highest among the groups gnomAD compares: African/African-American, 0.12%; no homozygotes.

Submissions (4):

Women's Health and Genetics/Laboratory Corporation of America, LabCorp
Classification: Uncertain significance. Last evaluated: 2025-09-26. Review status: criteria provided, single submitter. Criteria: LabCorp Variant Classification Summary - May 2015. Collection method: clinical testing. Allele origin: germline.
Comment: Variant summary: AGA c.792G>A (p.Met264Ile) results in a conservative amino acid change in the encoded protein sequence. Algorithms developed to predict the effect of missense changes on protein structure and function are either unavailable or do not agree on the potential impact of this missense change. The variant allele was found at a frequency of 0.00012 in 251496 control chromosomes. This frequency is not significantly higher than estimated for disease-causing variants in AGA, allowing no conclusion about variant significance. To our knowledge, no occurrence of c.792G>A in individuals affected with AGA-related conditions and no experimental evidence demonstrating its impact on protein function have been reported. ClinVar contains an entry for this variant (Variation ID: 991946). Based on the evidence outlined above, the variant was classified as uncertain significance.

Labcorp Genetics (formerly Invitae), Labcorp
Classification: Uncertain significance for Aspartylglucosaminuria. Last evaluated: 2022-08-21. Review status: criteria provided, single submitter. Criteria: Invitae Variant Classification Sherloc (09022015). Collection method: clinical testing. Allele origin: germline.
Comment: This sequence change replaces methionine, which is neutral and non-polar, with isoleucine, which is neutral and non-polar, at codon 264 of the AGA protein (p.Met264Ile). This variant is present in population databases (rs369967348, gnomAD 0.1%). This variant has not been reported in the literature in individuals affected with AGA-related conditions. ClinVar contains an entry for this variant (Variation ID: 991946). Algorithms developed to predict the effect of missense changes on protein structure and function are either unavailable or do not agree on the potential impact of this missense change (SIFT: "Deleterious"; PolyPhen-2: "Possibly Damaging"; Align-GVGD: "Class C0"). In summary, the available evidence is currently insufficient to determine the role of this variant in disease. Therefore, it has been classified as a Variant of Uncertain Significance.

Fulgent Genetics
Classification: Uncertain significance for Aspartylglucosaminuria. Last evaluated: 2021-07-12. Review status: criteria provided, single submitter. Criteria: ACMG Guidelines, 2015. Collection method: clinical testing. Allele origin: unknown.

Natera, Inc.
Classification: Uncertain significance for Aspartylglucosaminuria. Last evaluated: 2020-04-16. Review status: no assertion criteria provided. Collection method: clinical testing. Allele origin: germline. Not counted in ClinVar's aggregate classification.